The following is an entry in ClinVar:

ClinVar aggregate classification (germline): Uncertain significance. Review status: criteria provided, multiple submitters, no conflicts (2 of 4 stars). 2 submissions from 2 submitters: Uncertain significance (2). Last evaluated 2024-03-06.

Conditions:
Hereditary cancer-predisposing syndrome. Also called: Neoplastic Syndromes, Hereditary; Tumor predisposition; Hereditary Cancer Syndrome; Hereditary neoplastic syndrome. Identifiers: Orphanet 140162, MedGen C0027672, MeSH D009386, MONDO:0015356.

Submissions (2):

Color Diagnostics, LLC DBA Color Health
Classification: Uncertain significance for Hereditary cancer-predisposing syndrome. Last evaluated: 2024-03-06. Review status: criteria provided, single submitter. Criteria: ACMG Guidelines, 2015. Collection method: clinical testing. Allele origin: germline.
Comment: This missense variant replaces isoleucine with asparagine at codon 25 of the RAD51D protein. Computational prediction suggests that this variant may not impact protein structure and function (internally defined REVEL score threshold <= 0.5, PMID: 27666373). Splice site prediction tools suggest that this variant may not impact RNA splicing. To our knowledge, functional studies have not been performed for this variant. This variant has not been reported in individuals affected with hereditary cancer in the literature. This variant has not been identified in the general population by the Genome Aggregation Database (gnomAD). The available evidence is insufficient to determine the role of this variant in disease conclusively. Therefore, this variant is classified as a Variant of Uncertain Significance.

Ambry Genetics
Classification: Uncertain significance for Hereditary cancer-predisposing syndrome. Last evaluated: 2023-09-21. Review status: criteria provided, single submitter. Criteria: Ambry Variant Classification Scheme 2023. Collection method: clinical testing. Allele origin: germline.
Comment: The p.I25N variant (also known as c.74T>A), located in coding exon 1 of the RAD51D gene, results from a T to A substitution at nucleotide position 74. The isoleucine at codon 25 is replaced by asparagine, an amino acid with dissimilar properties. This amino acid position is conserved. In addition, this alteration is predicted to be tolerated by in silico analysis. Since supporting evidence is limited at this time, the clinical significance of this alteration remains unclear.

NM_002878.4(RAD51D):c.74T>A (p.Ile25Asn)

Genes: RAD51L3-RFFL (RAD51L3-RFFL readthrough; minus strand), RAD51D (RAD51 paralog D; minus strand). Cytogenetic location: 17q12.
Variant type: single nucleotide variant.
Coding change: c.74T>A on transcript NM_002878.4 (MANE Select); coding-DNA position 74, T replaced by A.
Protein change: p.Ile25Asn; replaces isoleucine 25 with asparagine.
Molecular consequence: missense variant. On other transcripts: non-coding transcript variant (2).
Genome position (GRCh38, 1-based): chr17:35,119,540, A>T on the plus strand (T>A on the coding strand, the complement: RAD51D is on the minus strand). VCF-style: chr17-35119540-A-T. GRCh37 (hg19) VCF-style: chr17-33446559-A-T.
Other names: c.74T>A, p.Ile25Asn (NM_001142571.2, NM_133629.3); short protein forms I25N.
Identifiers: ClinVar variation 926315 (VCV000926315.5), dbSNP rs2091797279, ClinGen allele CA399092285.